The following is an entry in ClinVar:

ClinVar aggregate classification (germline): Uncertain significance (1 of 4 stars; one submission).

Conditions:
RIPOR2-related disorder. Also called: RIPOR2-related condition.

gnomAD v4.1: 2 of 1,551,646 alleles (0.00013%); highest among the groups gnomAD compares: Admixed American, 0.0039%; no homozygotes.

Submission:

PreventionGenetics, part of Exact Sciences
Classification: Uncertain significance for RIPOR2-related condition. Last evaluated: 2026-07-07. Review status: criteria provided, single submitter. Criteria: ACMG Guidelines, 2015. Collection method: clinical testing. Allele origin: germline.
Comment: The RIPOR2 c.1160A>G variant is predicted to result in the amino acid substitution p.His387Arg. To our knowledge, this variant has not been reported in the literature. This variant is reported in 0.0041% of alleles in individuals of Latino descent in gnomAD. At this time, the clinical significance of this variant is uncertain due to the absence of conclusive functional and genetic evidence.

NM_001286445.3(RIPOR2):c.1164+416A>G

Gene: RIPOR2 (RHO family interacting cell polarization regulator 2; minus strand). Cytogenetic location: 6p22.3.
Variant type: single nucleotide variant.
Coding change: c.1164+416A>G on transcript NM_001286445.3 (MANE Select); 416 bases into the intron after coding-DNA position 1164, A replaced by G.
Molecular consequence: intron variant. On other transcripts: missense variant (1).
Genome position (GRCh38, 1-based): chr6:24,847,609, T>C on the plus strand (A>G on the coding strand, the complement: RIPOR2 is on the minus strand). VCF-style: chr6-24847609-T-C. GRCh37 (hg19) VCF-style: chr6-24847837-T-C.
Other names: c.1160A>G, p.His387Arg (NM_014722.5); c.1077+416A>G (NM_001346031.2, NM_001346032.2, NM_015864.5 and 1 more transcripts); c.1179+416A>G (NM_001286446.3); short protein forms H387R.
Identifiers: ClinVar variation 4992847 (VCV004992847.1).